The following is an entry in ClinVar:

ClinVar aggregate classification (germline): Likely benign. Review status: criteria provided, multiple submitters, no conflicts (2 of 4 stars). 7 submissions from 7 submitters: Likely benign (6). 1 of the submissions does not count toward it. Last evaluated 2026-01-13.

Conditions:
ABCC9-related disorder. Also called: ABCC9-related disorders; ABCC9-related condition.
Cardiovascular phenotype. Identifiers: MedGen CN230736.
Dilated cardiomyopathy 1O (CMD1O). Also called: CARDIOMYOPATHY, DILATED, WITH VENTRICULAR TACHYCARDIA. Identifiers: Orphanet 154, MedGen C1837839, MONDO:0012062, OMIM 608569.

Allele frequency attached by ClinVar (database versions not stated): gnomAD exomes 0.00005 and 0.00012; ExAC 0.00006; TOPMed 0.00006; ESP Exome Variant Server 0.00008; gnomAD 0.00010 and 0.00011.
gnomAD v4.1: 96 of 1,613,708 alleles (0.0059%); highest among the groups gnomAD compares: Non-Finnish European, 0.0014%; no homozygotes.

Submissions (7):

Labcorp Genetics (formerly Invitae), Labcorp
Classification: Likely benign for Dilated cardiomyopathy 1O. Last evaluated: 2026-01-13. Review status: criteria provided, single submitter. Criteria: Invitae Variant Classification Sherloc (09022015). Collection method: clinical testing. Allele origin: germline.

CeGaT Center for Human Genetics Tuebingen
Classification: Likely benign. Last evaluated: 2025-02-01. Review status: criteria provided, single submitter. Criteria: CeGaT Center For Human Genetics Tuebingen Variant Classification Criteria Version 2. Collection method: clinical testing. Allele origin: germline. Affected: yes. Observed: 1 variant allele.
Comment: ABCC9: BP4, BP7

Blueprint Genetics
Classification: Likely benign. Last evaluated: 2023-06-28. Review status: criteria provided, single submitter. Criteria: ACMG Guidelines, 2015. Collection method: clinical testing. Allele origin: germline.

Ambry Genetics
Classification: Likely benign for Cardiovascular phenotype. Last evaluated: 2020-05-13. Review status: criteria provided, single submitter. Criteria: Ambry Variant Classification Scheme 2023. Collection method: clinical testing. Allele origin: germline.

GeneDx
Classification: Likely benign. Last evaluated: 2018-03-15. Review status: criteria provided, single submitter. Criteria: GeneDx Variant Classification (06012015). Collection method: clinical testing. Allele origin: germline. Affected: yes.
Comment: This variant is considered likely benign or benign based on one or more of the following criteria: it is a conservative change, it occurs at a poorly conserved position in the protein, it is predicted to be benign by multiple in silico algorithms, and/or has population frequency not consistent with disease.

Laboratory for Molecular Medicine, Mass General Brigham Personalized Medicine
Classification: Likely benign. Last evaluated: 2014-02-20. Review status: criteria provided, single submitter. Criteria: LMM Criteria. Collection method: clinical testing. Allele origin: germline. Observed: 2 variant alleles.
Comment: Phe1096Phe in exon 26 of ABCC9: This variant is not expected to have clinical si gnificance because it does not alter an amino acid residue and is not located wi thin the splice consensus sequence. It has been identified in 1/8600 European Am erican chromosomes from a broad population by the NHLBI Exome Sequencing Project (dbSNP rs377372612). Phe1096Phe in exon 26 o f ABCC9 (rs377372612; allele frequency = 1/8600) **

PreventionGenetics, part of Exact Sciences
Classification: Likely benign for ABCC9-related condition. Last evaluated: 2019-08-01. Review status: no assertion criteria provided. Collection method: clinical testing. Allele origin: germline. Not counted in ClinVar's aggregate classification.
Comment: This variant is classified as likely benign based on ACMG/AMP sequence variant interpretation guidelines (Richards et al. 2015 PMID: 25741868, with internal and published modifications).

NM_020297.4(ABCC9):c.3288T>C (p.Phe1096=)

Gene: ABCC9 (ATP binding cassette subfamily C member 9; minus strand). Cytogenetic location: 12p12.1.
Variant type: single nucleotide variant.
Coding change: c.3288T>C on transcript NM_020297.4 (MANE Select); coding-DNA position 3288, T replaced by C.
Protein change: p.Phe1096=; no amino-acid change (phenylalanine 1096 retained).
Molecular consequence: synonymous variant.
Genome position (GRCh38, 1-based): chr12:21,844,510, A>G on the plus strand (T>C on the coding strand, the complement: ABCC9 is on the minus strand). VCF-style: chr12-21844510-A-G. GRCh37 (hg19) VCF-style: chr12-21997444-A-G.
Other names: c.3288T>C (NM_020297.3); c.3288T>C, p.Phe1096= (NM_001377273.1, NM_005691.4); c.2421T>C, p.Phe807= (NM_001377274.1).
Identifiers: ClinVar variation 179006 (VCV000179006.32), dbSNP rs377372612, ClinGen allele CA183479.